The following is an entry in ClinVar:

ClinVar aggregate classification (germline): Uncertain significance (1 of 4 stars; one submission).

Allele frequency attached by ClinVar (database versions not stated): gnomAD exomes 0.00001; gnomAD 0.00002; 1000 Genomes Project 0.00020; TOPMed 0.00002; ExAC 0.00002; 1000 Genomes Project 30x 0.00031.

Submission:

Labcorp Genetics (formerly Invitae), Labcorp
Classification: Uncertain significance. Last evaluated: 2025-06-25. Review status: criteria provided, single submitter. Criteria: Invitae Variant Classification Sherloc (09022015). Collection method: clinical testing. Allele origin: germline.
Comment: This sequence change replaces glutamic acid, which is acidic and polar, with lysine, which is basic and polar, at codon 2842 of the SRCAP protein (p.Glu2842Lys). This variant is present in population databases (rs180684377, gnomAD 0.008%). This variant has not been reported in the literature in individuals affected with SRCAP-related conditions. ClinVar contains an entry for this variant (Variation ID: 2981537). Invitae Evidence Modeling of protein sequence and biophysical properties (such as structural, functional, and spatial information, amino acid conservation, physicochemical variation, residue mobility, and thermodynamic stability) indicates that this missense variant is not expected to disrupt SRCAP protein function with a negative predictive value of 80%. In summary, the available evidence is currently insufficient to determine the role of this variant in disease. Therefore, it has been classified as a Variant of Uncertain Significance.

NM_006662.3(SRCAP):c.8524G>A (p.Glu2842Lys)

Gene: SRCAP (Snf2 related CREBBP activator protein; plus strand). Cytogenetic location: 16p11.2.
Variant type: single nucleotide variant.
Coding change: c.8524G>A on transcript NM_006662.3 (MANE Select); coding-DNA position 8524, G replaced by A.
Protein change: p.Glu2842Lys; replaces glutamic acid 2842 with lysine.
Molecular consequence: missense variant.
Genome position (GRCh38, 1-based): chr16:30,738,564, G>A. VCF-style: chr16-30738564-G-A. GRCh37 (hg19) VCF-style: chr16-30749885-G-A.
Other names: short protein forms E2842K.
Identifiers: ClinVar variation 2981537 (VCV002981537.3), dbSNP rs180684377, ClinGen allele CA8012722.
Genomic context (GRCh38, chr16:30,738,564, plus strand): 5'-CAGCAGCCCTTCATTGCTCGCCGTCACATTGAGCTGGGGGTGACTGGTGGTGGCAGCCCC[G>A]AGAATGGAGACGGAGCACTGCTCGCCATCACCCCACCTGCTGTGAAACGTCGGAGGGGGA-3'
Protein context (NP_006653.2, residues 2832-2852): ELGVTGGGSP[Glu2842Lys]NGDGALLAIT